The following is an entry in ClinVar:

NM_177438.3(DICER1):c.904-5_904-3delinsGG

Gene: DICER1 (dicer 1, ribonuclease III; minus strand). Cytogenetic location: 14q32.13.
Variant type: Indel.
Coding change: c.904-5_904-3delinsGG on transcript NM_177438.3 (MANE Select); 5 bases into the intron before coding-DNA position 904 through 3 bases into the intron before coding-DNA position 904, TGT replaced by GG.
Molecular consequence: intron variant.
Genome position (GRCh38, 1-based): chr14:95,124,671-95,124,673, ACA replaced by CC on the plus strand (TGT replaced by GG on the coding strand, the reverse complement: DICER1 is on the minus strand). VCF-style: chr14-95124671-ACA-CC. GRCh37 (hg19) VCF-style: chr14-95591008-ACA-CC.
Other names: c.904-5_904-3delinsGG (NM_001291628.2, NM_030621.4, NM_001395677.1 and 14 more transcripts); c.499-5_499-3delinsGG (NM_001395690.1, NM_001395687.1, NM_001395689.1 and 3 more transcripts); c.622-5_622-3delinsGG (NM_001395686.1); c.337-5_337-3delinsGG (NM_001395691.1); c.-665-5_-665-3delinsGG (NM_001395697.1).
Identifiers: ClinVar variation 4011601 (VCV004011601.1).

ClinVar aggregate classification (germline): Uncertain significance (1 of 4 stars; one submission).

Conditions:
Hereditary cancer-predisposing syndrome. Also called: Tumor predisposition; Hereditary neoplastic syndrome; Neoplastic Syndromes, Hereditary; Hereditary Cancer Syndrome. Identifiers: Orphanet 140162, MedGen C0027672, MeSH D009386, MONDO:0015356.

Submission:

Ambry Genetics
Classification: Uncertain significance for Hereditary cancer-predisposing syndrome. Last evaluated: 2025-04-09. Review status: criteria provided, single submitter. Criteria: Ambry Variant Classification Scheme 2023. Collection method: clinical testing. Allele origin: germline.
Comment: The c.904-5_904-3delTGTinsGG intronic variant, located in intron 6 of the DICER1 gene, results from a deletion of 3 nucleotides and the insertion of two nucleotides at nucleotide position 904. This nucleotide region is not well conserved in available vertebrate species. In silico splice site analysis predicts that this alteration may weaken the native splice acceptor site; however, direct evidence is insufficient at this time (Ambry internal data). Based on the available evidence, the clinical significance of this variant remains unclear.